The following is an entry in ClinVar:

NM_005228.5(EGFR):c.658T>G (p.Ser220Ala)

Gene: EGFR (epidermal growth factor receptor; plus strand). Cytogenetic location: 7p11.2.
Variant type: single nucleotide variant.
Coding change: c.658T>G on transcript NM_005228.5 (MANE Select); coding-DNA position 658, T replaced by G.
Protein change: p.Ser220Ala; replaces serine 220 with alanine.
Molecular consequence: missense variant. On other transcripts: intron variant (1).
Genome position (GRCh38, 1-based): chr7:55,152,575, T>G. VCF-style: chr7-55152575-T-G. GRCh37 (hg19) VCF-style: chr7-55220268-T-G.
Other names: c.523T>G, p.Ser175Ala (NM_001346897.2, NM_001346899.2); c.658T>G, p.Ser220Ala (NM_001346898.2, NM_201282.2, NM_201283.2 and 1 more transcripts); c.499T>G, p.Ser167Ala (NM_001346900.2); c.89-3255T>G (NM_001346941.2); short protein forms S220A, S167A, S175A.
Identifiers: ClinVar variation 2988764 (VCV002988764.4), dbSNP rs761098433, ClinGen allele CA367577382.

ClinVar aggregate classification (germline): Uncertain significance. Review status: criteria provided, multiple submitters, no conflicts (2 of 4 stars). 2 submissions from 2 submitters: Uncertain significance (2). Last evaluated 2026-05-21.

Conditions:
EGFR-related lung cancer (EGFR). Identifiers: MedGen CN130014.
Hereditary cancer-predisposing syndrome. Also called: Hereditary neoplastic syndrome; Neoplastic Syndromes, Hereditary; Tumor predisposition; Hereditary Cancer Syndrome. Identifiers: Orphanet 140162, MedGen C0027672, MeSH D009386, MONDO:0015356.

gnomAD v4.1: 1 of 1,613,944 alleles (0.000062%); highest among the groups gnomAD compares: South Asian, 0.0011%; no homozygotes.

Submissions (2):

Ambry Genetics
Classification: Uncertain significance for Hereditary cancer-predisposing syndrome. Last evaluated: 2026-05-21. Review status: criteria provided, single submitter. Criteria: Ambry Variant Classification Scheme 2023. Collection method: clinical testing. Allele origin: germline.
Comment: The p.S220A variant (also known as c.658T>G), located in coding exon 6 of the EGFR gene, results from a T to G substitution at nucleotide position 658. The serine at codon 220 is replaced by alanine, an amino acid with similar properties. This amino acid position is conserved. In addition, this alteration is predicted to be tolerated by in silico analysis. Based on the available evidence, the clinical significance of this variant remains unclear.

Labcorp Genetics (formerly Invitae), Labcorp
Classification: Uncertain significance for EGFR-related lung cancer. Last evaluated: 2023-03-22. Review status: criteria provided, single submitter. Criteria: Invitae Variant Classification Sherloc (09022015). Collection method: clinical testing. Allele origin: germline.
Comment: This sequence change replaces serine, which is neutral and polar, with alanine, which is neutral and non-polar, at codon 220 of the EGFR protein (p.Ser220Ala). This variant is not present in population databases (gnomAD no frequency). This variant has not been reported in the literature in individuals affected with EGFR-related conditions. Advanced modeling of protein sequence and biophysical properties (such as structural, functional, and spatial information, amino acid conservation, physicochemical variation, residue mobility, and thermodynamic stability) performed at Invitae indicates that this missense variant is not expected to disrupt EGFR protein function. In summary, the available evidence is currently insufficient to determine the role of this variant in disease. Therefore, it has been classified as a Variant of Uncertain Significance.